The following is an entry in ClinVar:

NM_016373.4(WWOX):c.845C>T (p.Pro282Leu)

Gene: WWOX (WW domain containing oxidoreductase; plus strand). Cytogenetic location: 16q23.1.
Variant type: single nucleotide variant.
Coding change: c.845C>T on transcript NM_016373.4 (MANE Select); coding-DNA position 845, C replaced by T.
Protein change: p.Pro282Leu; replaces proline 282 with leucine.
Molecular consequence: missense variant.
Genome position (GRCh38, 1-based): chr16:78,432,541, C>T. VCF-style: chr16-78432541-C-T. GRCh37 (hg19) VCF-style: chr16-78466438-C-T.
Other names: c.506C>T, p.Pro169Leu (NM_001291997.2); short protein forms P169L, P282L.
Identifiers: ClinVar variation 1054048 (VCV001054048.8), dbSNP rs770542796, ClinGen allele CA8183513.

ClinVar aggregate classification (germline): Uncertain significance. Review status: criteria provided, multiple submitters, no conflicts (2 of 4 stars). 2 submissions from 2 submitters: Uncertain significance (2). Last evaluated 2024-09-20.

Conditions:
Autosomal recessive spinocerebellar ataxia 12. Also called: SPINOCEREBELLAR ATAXIA WITH MENTAL RETARDATION AND EPILEPSY. Identifiers: Orphanet 284282, MedGen C3280452, MONDO:0013687, OMIM 614322.
Developmental and epileptic encephalopathy, 1 (DEE1). Also called: X-linked infantile spasms; West's syndrome; Tonic spasms with clustering, arrest of psychomotor development and hypsarrhythmia on EEG; X-Linked Infantile Spasm Syndrome; OHTAHARA SYNDROME, X-LINKED; Epileptic encephalopathy, early infantile, 1. Identifiers: MedGen C3463992, MONDO:0010632, OMIM 308350. Disease mechanism: loss of function.
Developmental and epileptic encephalopathy, 28 (DEE28). Also called: Epileptic encephalopathy, early infantile, 28. Identifiers: Orphanet 442835, MedGen C4015519, MONDO:0014533, OMIM 616211.

Allele frequency attached by ClinVar (database versions not stated): gnomAD exomes below 0.00001; ExAC 0.00001.
gnomAD v4.1: 2 of 1,614,054 alleles (0.00012%); highest among the groups gnomAD compares: African/African-American, 0.0013%; no homozygotes.

Submissions (2):

Kids Research, The Children's Hospital at Westmead
Classification: Uncertain significance for Developmental and epileptic encephalopathy, 28. Last evaluated: 2024-09-20. Review status: criteria provided, single submitter. Criteria: ACMG Guidelines, 2015. Collection method: research. Allele origin: germline. Affected: yes.
Comment: PM2, PM3

Labcorp Genetics (formerly Invitae), Labcorp
Classification: Uncertain significance for Developmental and epileptic encephalopathy, 1; Autosomal recessive spinocerebellar ataxia 12. Last evaluated: 2020-08-25. Review status: criteria provided, single submitter. Criteria: Invitae Variant Classification Sherloc (09022015). Collection method: clinical testing. Allele origin: germline.
Comment: Algorithms developed to predict the effect of missense changes on protein structure and function are either unavailable or do not agree on the potential impact of this missense change (SIFT: "Not Available"; PolyPhen-2: "Benign"; Align-GVGD: "Not Available"). In summary, the available evidence is currently insufficient to determine the role of this variant in disease. Therefore, it has been classified as a Variant of Uncertain Significance. This variant has not been reported in the literature in individuals with WWOX-related conditions. This variant is present in population databases (rs770542796, ExAC 0.01%). This sequence change replaces proline with leucine at codon 282 of the WWOX protein (p.Pro282Leu). The proline residue is moderately conserved and there is a moderate physicochemical difference between proline and leucine.